The following is an entry in ClinVar:

NM_015340.4(LARS2):c.2169T>C (p.Ala723=)

Gene: LARS2 (leucyl-tRNA synthetase 2, mitochondrial; plus strand). Cytogenetic location: 3p21.31.
Variant type: single nucleotide variant.
Coding change: c.2169T>C on transcript NM_015340.4 (MANE Select); coding-DNA position 2169, T replaced by C.
Protein change: p.Ala723=; no amino-acid change (alanine 723 retained).
Molecular consequence: synonymous variant.
Genome position (GRCh38, 1-based): chr3:45,518,027, T>C. VCF-style: chr3-45518027-T-C. GRCh37 (hg19) VCF-style: chr3-45559519-T-C.
Other names: c.2169T>C, p.Ala723= (NM_001368263.1).
Identifiers: ClinVar variation 226700 (VCV000226700.18), dbSNP rs2170549, ClinGen allele CA2349787.
Genomic context (GRCh38, chr3:45,518,027, plus strand): 5'-TGAGGCCAGGGCTTCTGGGAAGTCTCCCCAGCCTCAGCTGCTGAGTAACAAGGAGAAAGC[T>C]GAGGCCAGGAAGCTCTGGGAGTACAAGAACTCCGTCATCTCTCAGGTCAGAAACTCTCCA-3'
Protein context (NP_056155.1, residues 713-733): QPQLLSNKEK[Ala723=]EARKLWEYKN

ClinVar aggregate classification (germline): Benign. Review status: criteria provided, multiple submitters, no conflicts (2 of 4 stars). 8 submissions from 7 submitters: Benign (7). 1 of the submissions does not count toward it. Last evaluated 2026-02-04.

Conditions:
Hydrops-lactic acidosis-sideroblastic anemia-multisystemic failure syndrome. Also called: Hydrops, lactic acidosis, and sideroblastic anemia. Identifiers: Orphanet 528091, MedGen C4310761, MONDO:0014869, OMIM 617021.
Perrault syndrome 4 (PRLTS4). Identifiers: Orphanet 2855, MedGen C3809105, MONDO:0014126, OMIM 615300.

Allele frequency attached by ClinVar (database versions not stated): ESP Exome Variant Server 0.85145; gnomAD 0.85995 and 0.86809; ExAC 0.95151; gnomAD exomes 0.95860 and 0.98255; 1000 Genomes Project 30x 0.84057; TOPMed 0.84945; 1000 Genomes Project 0.84944.
gnomAD v4.1: 1,566,922 of 1,613,626 alleles (97%); highest among the groups gnomAD compares: East Asian, 100%; 768,084 homozygotes.

Submissions (8):

Labcorp Genetics (formerly Invitae), Labcorp
Classification: Benign. Last evaluated: 2026-02-04. Review status: criteria provided, single submitter. Criteria: Invitae Variant Classification Sherloc (09022015). Collection method: clinical testing. Allele origin: germline.

Genome-Nilou Lab
Classification: Benign for Hydrops-lactic acidosis-sideroblastic anemia-multisystemic failure syndrome. Last evaluated: 2021-08-19. Review status: criteria provided, single submitter. Criteria: ACMG Guidelines, 2015. Collection method: clinical testing. Allele origin: germline. Affected: no.

Genome-Nilou Lab
Classification: Benign for Perrault syndrome 4. Last evaluated: 2021-08-19. Review status: criteria provided, single submitter. Criteria: ACMG Guidelines, 2015. Collection method: clinical testing. Allele origin: germline. Affected: no.

GeneDx
Classification: Benign. Last evaluated: 2015-12-02. Review status: criteria provided, single submitter. Criteria: GeneDx Variant Classification (06012015). Collection method: clinical testing. Allele origin: germline. Affected: yes.
Comment: This variant is considered likely benign or benign based on one or more of the following criteria: it is a conservative change, it occurs at a poorly conserved position in the protein, it is predicted to be benign by multiple in silico algorithms, and/or has population frequency not consistent with disease.

Laboratory for Molecular Medicine, Mass General Brigham Personalized Medicine
Classification: Benign. Last evaluated: 2014-11-24. Review status: criteria provided, single submitter. Criteria: LMM Criteria. Collection method: clinical testing. Allele origin: germline. Observed: 1,014 variant alleles.
Comment: Ala723Ala in exon 18 of LARS2: This variant is not expected to have clinical sig nificance because it does not alter an amino acid residue and is not located wit hin the splice consensus sequence. It has been identified in 42.5% (1871/4406) o f African American chromosomes from a broad population by the NHLBI Exome Sequen cing Project (dbSNP rs2170549).

Breakthrough Genomics
Classification: Benign. Review status: criteria provided, single submitter. Criteria: ACMG Guidelines, 2015. Collection method: not provided. Allele origin: germline. Inheritance: Autosomal recessive inheritance. Affected: yes.

PreventionGenetics, part of Exact Sciences
Classification: Benign. Review status: criteria provided, single submitter. Criteria: ACMG Guidelines, 2015. Collection method: clinical testing. Allele origin: germline.

Mayo Clinic Laboratories, Mayo Clinic
Classification: Benign. Last evaluated: 2016-02-16. Review status: no assertion criteria provided. Collection method: clinical testing. Allele origin: unknown. Not counted in ClinVar's aggregate classification.